The following is an entry in ClinVar:

NM_000092.5(COL4A4):c.695G>A (p.Gly232Glu)

Gene: COL4A4 (collagen type IV alpha 4 chain; minus strand). Cytogenetic location: 2q36.3.
Variant type: single nucleotide variant.
Coding change: c.695G>A on transcript NM_000092.5 (MANE Select); coding-DNA position 695, G replaced by A.
Protein change: p.Gly232Glu; replaces glycine 232 with glutamic acid.
Molecular consequence: missense variant.
Genome position (GRCh38, 1-based): chr2:227,108,621, C>T on the plus strand (G>A on the coding strand, the complement: COL4A4 is on the minus strand). VCF-style: chr2-227108621-C-T. GRCh37 (hg19) VCF-style: chr2-227973337-C-T.
Other names: short protein forms G232E.
Identifiers: ClinVar variation 4082410 (VCV004082410.2).

ClinVar aggregate classification (germline): Uncertain significance (1 of 4 stars; one submission).

gnomAD v4.1: 1 of 1,613,870 alleles (0.000062%); highest among the groups gnomAD compares: South Asian, 0.0011%; no homozygotes.

Submission:

Genetic Services Laboratory, University of Chicago
Classification: Uncertain significance. Last evaluated: 2023-03-22. Review status: criteria provided, single submitter. Criteria: ACMG Guidelines, 2015. Collection method: clinical testing. Allele origin: germline. Affected: no.
Comment: DNA sequence analysis of the COL4A4 gene demonstrated a sequence change, c.695G>A, in exon 12 that results in an amino acid change, p.Gly232Glu. This sequence change has been described in the gnomAD database in one individual corresponding to a population frequency of 0.003% (dbSNP rs866282147). The p.Gly232Glu change affects a moderately conserved amino acid residue located in a domain of the COL4A4 protein that is known to be functional. The p.Gly232Glu substitution appears to be deleterious using several in-silico pathogenicity prediction tools (SIFT, PolyPhen2, REVEL). This sequence change does not appear to have been previously described in individuals with COL4A4-related disorders. Due to insufficient evidences and the lack of functional studies, the clinical significance of the p.Gly232Glu change remains unknown at this time.